The following is an entry in ClinVar:

NM_030930.4(UNC93B1):c.1260T>C (p.Phe420=)

Gene: UNC93B1 (unc-93B1 regulator of TLR signaling; minus strand). Cytogenetic location: 11q13.2.
Variant type: single nucleotide variant.
Coding change: c.1260T>C on transcript NM_030930.4 (MANE Select); coding-DNA position 1260, T replaced by C.
Protein change: p.Phe420=; no amino-acid change (phenylalanine 420 retained).
Molecular consequence: synonymous variant.
Genome position (GRCh38, 1-based): chr11:67,995,714, A>G on the plus strand (T>C on the coding strand, the complement: UNC93B1 is on the minus strand). VCF-style: chr11-67995714-A-G. GRCh37 (hg19) VCF-style: chr11-67763185-A-G.
Identifiers: ClinVar variation 2080646 (VCV002080646.7), dbSNP rs997581369, ClinGen allele CA224212568.

ClinVar aggregate classification (germline): Likely benign. Review status: criteria provided, multiple submitters, no conflicts (2 of 4 stars). 3 submissions from 3 submitters: Likely benign (3). Last evaluated 2026-04-01.

Conditions:
Encephalopathy, acute, infection-induced (herpes-specific), susceptibility to, 1. Also called: Herpes simplex encephalitis, susceptibility to, 1. Identifiers: Orphanet 1930, MedGen C2750180, MONDO:0024563, OMIM 610551.

Allele frequency attached by ClinVar (database versions not stated): gnomAD exomes 0.00001; TOPMed 0.00001.
gnomAD v4.1: 3 of 1,548,220 alleles (0.00019%); highest among the groups gnomAD compares: Non-Finnish European, 0.00026%; no homozygotes.

Submissions (3):

CeGaT Center for Human Genetics Tuebingen
Classification: Likely benign. Last evaluated: 2026-04-01. Review status: criteria provided, single submitter. Criteria: CeGaT Center For Human Genetics Tuebingen Variant Classification Criteria Version 2. Collection method: clinical testing. Allele origin: germline. Affected: yes. Observed: 1 variant allele.
Comment: UNC93B1: BP4, BP7

Blueprint Genetics
Classification: Likely benign. Last evaluated: 2024-09-20. Review status: criteria provided, single submitter. Criteria: ACMG Guidelines, 2015. Collection method: clinical testing. Allele origin: germline.

Labcorp Genetics (formerly Invitae), Labcorp
Classification: Likely benign for Encephalopathy, acute, infection-induced (herpes-specific), susceptibility to, 1. Last evaluated: 2024-09-04. Review status: criteria provided, single submitter. Criteria: Invitae Variant Classification Sherloc (09022015). Collection method: clinical testing. Allele origin: germline.